The following is an entry in ClinVar:

ClinVar aggregate classification (germline): Uncertain significance. Review status: criteria provided, single submitter (1 of 4 stars). 2 submissions from 2 submitters: Uncertain significance (1). 1 of the submissions does not count toward it. Last evaluated 2025-03-25.

Conditions:
AKAP11-related disorder. Also called: AKAP11-related condition.

gnomAD v4.1: 12 of 1,614,074 alleles (0.00074%); highest among the groups gnomAD compares: East Asian, 0.027%; no homozygotes.

Submissions (2):

Ambry Genetics
Classification: Uncertain significance. Last evaluated: 2025-03-25. Review status: criteria provided, single submitter. Criteria: Ambry Variant Classification Scheme 2023. Collection method: clinical testing. Allele origin: germline.

PreventionGenetics, part of Exact Sciences
Classification: Uncertain significance for AKAP11-related condition. Last evaluated: 2024-09-22. Review status: no assertion criteria provided. Collection method: clinical testing. Allele origin: germline. Not counted in ClinVar's aggregate classification.
Comment: The AKAP11 c.3525G>C variant is predicted to result in the amino acid substitution p.Glu1175Asp. To our knowledge, this variant has not been reported in the literature. This variant is reported in 0.040% of alleles in individuals of East Asian descent in gnomAD. At this time, the clinical significance of this variant is uncertain due to the absence of conclusive functional and genetic evidence.

NM_016248.4(AKAP11):c.3525G>C (p.Glu1175Asp)

Gene: AKAP11 (A-kinase anchoring protein 11; plus strand). Cytogenetic location: 13q14.11.
Variant type: single nucleotide variant.
Coding change: c.3525G>C on transcript NM_016248.4 (MANE Select); coding-DNA position 3525, G replaced by C.
Protein change: p.Glu1175Asp; replaces glutamic acid 1175 with aspartic acid.
Molecular consequence: missense variant.
Genome position (GRCh38, 1-based): chr13:42,302,271, G>C. VCF-style: chr13-42302271-G-C. GRCh37 (hg19) VCF-style: chr13-42876407-G-C.
Other names: short protein forms E1175D.
Identifiers: ClinVar variation 3358539 (VCV003358539.2).